The following is an entry in ClinVar:

NM_000093.5(COL5A1):c.3953G>T (p.Gly1318Val)

Gene: COL5A1 (collagen type V alpha 1 chain; plus strand). Cytogenetic location: 9q34.3.
Variant type: single nucleotide variant.
Coding change: c.3953G>T on transcript NM_000093.5 (MANE Select); coding-DNA position 3953, G replaced by T.
Protein change: p.Gly1318Val; replaces glycine 1318 with valine.
Molecular consequence: missense variant.
Genome position (GRCh38, 1-based): chr9:134,814,843, G>T. VCF-style: chr9-134814843-G-T. GRCh37 (hg19) VCF-style: chr9-137706689-G-T.
Other names: c.3953G>T (NM_000093.3); c.3953G>T, p.Gly1318Val (NM_001278074.1); short protein forms G1318V.
Identifiers: ClinVar variation 2143838 (VCV002143838.6), dbSNP rs1838679195, ClinGen allele CA375456070.
Genomic context (GRCh38, chr9:134,814,843, plus strand): 5'-CCTCTTTCCTCCAGGGACCCAAAGGAGAAAGGGGAGAGAAGGGCGAGTCAGGCCCTTCAG[G>T]TGCTGCCGGACCCCCTGGACCCAAAGGCCCTCCCGGAGATGATGGTCCCAAAGGCAGCCC-3'
Protein context (NP_000084.3, residues 1308-1328): RGEKGESGPS[Gly1318Val]AAGPPGPKGP

ClinVar aggregate classification (germline): Uncertain significance. Review status: criteria provided, multiple submitters, no conflicts (2 of 4 stars). 3 submissions from 3 submitters: Uncertain significance (3). Last evaluated 2025-01-15.

Conditions:
Ehlers-Danlos syndrome, classic type, 1 (EDSCL1). Also called: Ehlers-Danlos Syndrome, Classic Type, COL5A1-Related; EHLERS-DANLOS SYNDROME, GRAVIS TYPE; EHLERS-DANLOS SYNDROME, SEVERE CLASSIC TYPE; Ehlers-Danlos syndrome, type 1; EDS I. Identifiers: MedGen C0268335, MONDO:0019567, OMIM 130000.

gnomAD v4.1: 10 of 1,551,852 alleles (0.00064%); highest among the groups gnomAD compares: Non-Finnish European, 0.00087%; no homozygotes.

Submissions (3):

GeneDx
Classification: Uncertain significance. Last evaluated: 2025-01-15. Review status: criteria provided, single submitter. Criteria: GeneDx Variant Classification Process June 2021. Collection method: clinical testing. Allele origin: germline. Affected: yes.
Comment: Not observed at significant frequency in large population cohorts (gnomAD); In silico analysis supports that this missense variant has a deleterious effect on protein structure/function; Has not been previously published as pathogenic or benign to our knowledge; This variant is associated with the following publications: (PMID: 22696272)

Women's Health and Genetics/Laboratory Corporation of America, LabCorp
Classification: Uncertain significance. Last evaluated: 2024-12-09. Review status: criteria provided, single submitter. Criteria: LabCorp Variant Classification Summary - May 2015. Collection method: clinical testing. Allele origin: germline.

Labcorp Genetics (formerly Invitae), Labcorp
Classification: Uncertain significance for Ehlers-Danlos syndrome, classic type, 1. Last evaluated: 2021-12-07. Review status: criteria provided, single submitter. Criteria: Invitae Variant Classification Sherloc (09022015). Collection method: clinical testing. Allele origin: germline.
Comment: This sequence change replaces glycine, which is neutral and non-polar, with valine, which is neutral and non-polar, at codon 1318 of the COL5A1 protein (p.Gly1318Val). This variant is not present in population databases (gnomAD no frequency). This variant has not been reported in the literature in individuals affected with COL5A1-related conditions. Advanced modeling of protein sequence and biophysical properties (such as structural, functional, and spatial information, amino acid conservation, physicochemical variation, residue mobility, and thermodynamic stability) performed at Invitae indicates that this missense variant is expected to disrupt COL5A1 protein function. This variant disrupts the triple helix domain of COL5A1. Glycine residues within the Gly-Xaa-Yaa repeats of the triple helix domain are required for the structure and stability of fibrillar collagens (PMID: 7695699, 8218237, 19344236), and variants at these glycine residues in COL5A1 are more frequently observed in individuals with disease than in the general population (PMID: 22696272, 23587214). However, the clinical significance of this observation remains uncertain since only a limited number of affected individuals have been described to date. In summary, the available evidence is currently insufficient to determine the role of this variant in disease. Therefore, it has been classified as a Variant of Uncertain Significance.

Literature cited by the submitters: PubMed 7695699 (cited by Labcorp Genetics (formerly Invitae), Labcorp); PubMed 8218237 (cited by Labcorp Genetics (formerly Invitae), Labcorp); PubMed 19344236 (cited by Labcorp Genetics (formerly Invitae), Labcorp); PubMed 22696272 (cited by Labcorp Genetics (formerly Invitae), Labcorp); PubMed 23587214 (cited by Labcorp Genetics (formerly Invitae), Labcorp).